The following is an entry in ClinVar:

NM_000059.4(BRCA2):c.3923A>C (p.Glu1308Ala)

Gene: BRCA2 (BRCA2 DNA repair associated; plus strand). Cytogenetic location: 13q13.1.
Variant type: single nucleotide variant.
Coding change: c.3923A>C on transcript NM_000059.4 (MANE Select); coding-DNA position 3923, A replaced by C.
Protein change: p.Glu1308Ala; replaces glutamic acid 1308 with alanine.
Molecular consequence: missense variant.
Genome position (GRCh38, 1-based): chr13:32,338,278, A>C. VCF-style: chr13-32338278-A-C. GRCh37 (hg19) VCF-style: chr13-32912415-A-C.
Other names: short protein forms E1308A.
Identifiers: ClinVar variation 1050526 (VCV001050526.12), dbSNP rs2137501297, ClinGen allele CA387778833.

ClinVar aggregate classification (germline): Conflicting classifications of pathogenicity. Review status: criteria provided, conflicting classifications (1 of 4 stars). 4 submissions from 4 submitters: Uncertain significance (2); Likely benign (1). 1 of the submissions does not count toward it. Last evaluated 2023-03-23.

Conditions:
Hereditary cancer-predisposing syndrome. Also called: Tumor predisposition; Hereditary neoplastic syndrome; Hereditary Cancer Syndrome; Neoplastic Syndromes, Hereditary. Identifiers: Orphanet 140162, MedGen C0027672, MeSH D009386, MONDO:0015356.
Hereditary breast ovarian cancer syndrome. Also called: Hereditary breast and ovarian cancer syndrome; Hereditary breast and ovarian cancer; Hereditary breast and ovarian cancer syndrome (HBOC); BRCA1- and BRCA2-Associated Hereditary Breast and Ovarian Cancer; Hereditary breast and/or ovarian cancer syndrome; Breast and ovarian cancer. Identifiers: Orphanet 145, MedGen C0677776, MeSH D061325, MONDO:0003582. Disease mechanism: loss of function.
Malignant tumor of breast. Also called: Malignant breast neoplasm; Cancer breast. Identifiers: MedGen C0006142, MONDO:0007254. Disease mechanism: loss of function.

Submissions (4):

University of Washington Department of Laboratory Medicine, University of Washington
Classification: Likely benign for Hereditary cancer-predisposing syndrome. Last evaluated: 2023-03-23. Review status: criteria provided, single submitter. Criteria: Dines et al. (Genet Med. 2020). Collection method: curation. Allele origin: germline.
Comment: Missense variant in a coldspot region where missense variants are very unlikely to be pathogenic (PMID:31911673).

BRCA2 exon 11 coldspot. Reclassification based on statistical prior probability.

Ambry Genetics
Classification: Uncertain significance for Hereditary cancer-predisposing syndrome. Last evaluated: 2022-10-31. Review status: criteria provided, single submitter. Criteria: Ambry Variant Classification Scheme 2023. Collection method: clinical testing. Allele origin: germline.
Comment: The p.E1308A variant (also known as c.3923A>C), located in coding exon 10 of the BRCA2 gene, results from an A to C substitution at nucleotide position 3923. The glutamic acid at codon 1308 is replaced by alanine, an amino acid with dissimilar properties. This variant was also observed in 1/3251 individuals who met eligibility criteria for hereditary breast and ovarian cancer syndrome (Lerner-Ellis J et al. J Cancer Res Clin Oncol, 2021 Mar;147:871-879). This amino acid position is not well conserved in available vertebrate species. In addition, this alteration is predicted to be tolerated by in silico analysis. Since supporting evidence is limited at this time, the clinical significance of this alteration remains unclear.

Labcorp Genetics (formerly Invitae), Labcorp
Classification: Uncertain significance for Hereditary breast ovarian cancer syndrome. Last evaluated: 2022-01-06. Review status: criteria provided, single submitter. Criteria: Invitae Variant Classification Sherloc (09022015). Collection method: clinical testing. Allele origin: germline.
Comment: This variant is not present in population databases (gnomAD no frequency). This sequence change replaces glutamic acid, which is acidic and polar, with alanine, which is neutral and non-polar, at codon 1308 of the BRCA2 protein (p.Glu1308Ala). This variant has not been reported in the literature in individuals affected with BRCA2-related conditions. In summary, the available evidence is currently insufficient to determine the role of this variant in disease. Therefore, it has been classified as a Variant of Uncertain Significance. Advanced modeling of protein sequence and biophysical properties (such as structural, functional, and spatial information, amino acid conservation, physicochemical variation, residue mobility, and thermodynamic stability) performed at Invitae indicates that this missense variant is not expected to disrupt BRCA2 protein function. ClinVar contains an entry for this variant (Variation ID: 1050526).

Department of Pathology and Laboratory Medicine, Sinai Health System
Classification: Uncertain significance for Malignant tumor of breast. Review status: no assertion criteria provided. Collection method: clinical testing. Allele origin: unknown. Affected: yes. Study: The Canadian Open Genetics Repository (COGR). Not counted in ClinVar's aggregate classification.
Comment: The BRCA2 p.Glu1308Ala variant was not identified in the literature nor was it identified in the dbSNP, ClinVar, GeneInsight-COGR, Cosmic, MutDB, LOVD 3.0, UMD-LSDB, BIC, ARUP Laboratories, or Zhejiang University databases. The variant was not identified in the following control databases: the Exome Aggregation Consortium (August 8th 2016), or the Genome Aggregation Database (Feb 27, 2017). The p.Glu1308 residue is conserved in mammals but not in more distantly related organisms. However, four out of five computational analyses (PolyPhen-2, SIFT, AlignGVGD, BLOSUM, MutationTaster) do not suggest a high likelihood of impact to the protein; this information is not predictive enough to rule out pathogenicity. The variant occurs outside of the splicing consensus sequence and 1 of 4 in silico or computational prediction software programs (SpliceSiteFinder, MaxEntScan, NNSPLICE, GeneSplicer) predict a greater than 10% difference in splicing; this is not very predictive of pathogenicity. In summary, based on the above information, the clinical significance of this variant cannot be determined with certainty at this time. This variant is classified as a variant of uncertain significance.

Literature cited by the submitters: PubMed 32885271 (cited by Ambry Genetics).